The following is an entry in ClinVar:

ClinVar aggregate classification (germline): Uncertain significance. Review status: criteria provided, multiple submitters, no conflicts (2 of 4 stars). 2 submissions from 2 submitters: Uncertain significance (2). Last evaluated 2026-01-17.

Allele frequency attached by ClinVar (database versions not stated): TOPMed 0.00011; ExAC 0.00013; gnomAD 0.00013; gnomAD exomes 0.00014; ESP Exome Variant Server 0.00015.
gnomAD v4.1: 221 of 1,603,260 alleles (0.014%); highest among the groups gnomAD compares: Non-Finnish European, 0.017%; no homozygotes.

Submissions (2):

Labcorp Genetics (formerly Invitae), Labcorp
Classification: Uncertain significance. Last evaluated: 2026-01-17. Review status: criteria provided, single submitter. Criteria: Invitae Variant Classification Sherloc (09022015). Collection method: clinical testing. Allele origin: germline.
Comment: This sequence change replaces arginine, which is basic and polar, with cysteine, which is neutral and slightly polar, at codon 26 of the SUCO protein (p.Arg26Cys). This variant is present in population databases (rs201186467, gnomAD 0.02%). This variant has not been reported in the literature in individuals affected with SUCO-related conditions. ClinVar contains an entry for this variant (Variation ID: 2058680). An algorithm developed to predict the effect of missense changes on protein structure and function (PolyPhen-2) suggests that this variant is likely to be disruptive. In summary, the available evidence is currently insufficient to determine the role of this variant in disease. Therefore, it has been classified as a Variant of Uncertain Significance.

Ambry Genetics
Classification: Uncertain significance. Last evaluated: 2024-12-20. Review status: criteria provided, single submitter. Criteria: Ambry Variant Classification Scheme 2023. Collection method: clinical testing. Allele origin: germline.

NM_014283.5(SUCO):c.76C>T (p.Arg26Cys)

Gene: SUCO (SUN domain containing ossification factor; plus strand). Cytogenetic location: 1q24.3.
Variant type: single nucleotide variant.
Coding change: c.76C>T on transcript NM_014283.5 (MANE Select); coding-DNA position 76, C replaced by T.
Protein change: p.Arg26Cys; replaces arginine 26 with cysteine.
Molecular consequence: missense variant. On other transcripts: 5 prime UTR variant (1).
Genome position (GRCh38, 1-based): chr1:172,551,525, C>T. VCF-style: chr1-172551525-C-T. GRCh37 (hg19) VCF-style: chr1-172520665-C-T.
Other names: c.76C>T, p.Arg26Cys (NM_001282750.2); c.-1454C>T (NM_001282751.2); c.661C>T, p.Arg221Cys (NM_016227.4); short protein forms R221C, R26C.
Identifiers: ClinVar variation 2058680 (VCV002058680.6), dbSNP rs201186467, ClinGen allele CA1246453.
Genomic context (GRCh38, chr1:172,551,525, plus strand): 5'-TTCTCTTTCTCTTTTTCTGTTTGTTGGTGGTGGTGGGTGTTTTACAGGCTTCCCAGCTGG[C>T]GTGTATGTTGTAAAGAGAGTTCTTCAGCTTCAGCGTCATCATATTACTCTCAAGATGACA-3'
Protein context (NP_055098.1, residues 16-36): LCSLVWLPSW[Arg26Cys]VCCKESSSAS